The following is an entry in ClinVar:

ClinVar aggregate classification (germline): Uncertain significance (1 of 4 stars; one submission).

Allele frequency attached by ClinVar (database versions not stated): gnomAD exomes below 0.00001.
gnomAD v4.1: 3 of 1,614,108 alleles (0.00019%); highest among the groups gnomAD compares: Non-Finnish European, 0.00025%; no homozygotes.

Submission:

GeneDx
Classification: Uncertain significance. Last evaluated: 2023-02-06. Review status: criteria provided, single submitter. Criteria: GeneDx Variant Classification Process June 2021. Collection method: clinical testing. Allele origin: germline. Affected: yes.
Comment: Not observed at significant frequency in large population cohorts (gnomAD); In silico analysis supports that this missense variant has a deleterious effect on protein structure/function; Has not been previously published as pathogenic or benign to our knowledge

NM_015570.4(AUTS2):c.2155C>T (p.His719Tyr)

Gene: AUTS2 (activator of transcription and developmental regulator AUTS2; plus strand). Cytogenetic location: 7q11.22.
Variant type: single nucleotide variant.
Coding change: c.2155C>T on transcript NM_015570.4 (MANE Select); coding-DNA position 2155, C replaced by T.
Protein change: p.His719Tyr; replaces histidine 719 with tyrosine.
Molecular consequence: missense variant.
Genome position (GRCh38, 1-based): chr7:70,784,950, C>T. VCF-style: chr7-70784950-C-T. GRCh37 (hg19) VCF-style: chr7-70249936-C-T.
Other names: c.2083C>T, p.His695Tyr (NM_001127231.3); short protein forms H695Y, H719Y.
Identifiers: ClinVar variation 2574923 (VCV002574923.1), dbSNP rs2484904102, ClinGen allele CA367663323.